The following is an entry in ClinVar:

ClinVar aggregate classification (germline): Uncertain significance (1 of 4 stars; one submission).

Submission:

GeneDx
Classification: Uncertain significance. Last evaluated: 2023-06-24. Review status: criteria provided, single submitter. Criteria: GeneDx Variant Classification Process June 2021. Collection method: clinical testing. Allele origin: germline. Affected: yes.
Comment: Not observed at significant frequency in large population cohorts (gnomAD); In silico analysis supports that this missense variant has a deleterious effect on protein structure/function; Has not been previously published as pathogenic or benign to our knowledge

NM_001220.5(CAMK2B):c.1762G>A (p.Glu588Lys)

Gene: CAMK2B (calcium/calmodulin dependent protein kinase II beta; minus strand). Cytogenetic location: 7p13.
Variant type: single nucleotide variant.
Coding change: c.1762G>A on transcript NM_001220.5 (MANE Select); coding-DNA position 1762, G replaced by A.
Protein change: p.Glu588Lys; replaces glutamic acid 588 with lysine.
Molecular consequence: missense variant.
Genome position (GRCh38, 1-based): chr7:44,220,622, C>T on the plus strand (G>A on the coding strand, the complement: CAMK2B is on the minus strand). VCF-style: chr7-44220622-C-T. GRCh37 (hg19) VCF-style: chr7-44260221-C-T.
Other names: c.1390G>A, p.Glu464Lys (NM_001293170.2, NM_172078.3); c.1318G>A, p.Glu440Lys (NM_172079.3); c.1315G>A, p.Glu439Lys (NM_172080.3); c.1273G>A, p.Glu425Lys (NM_172081.3); c.1240G>A, p.Glu414Lys (NM_172082.3); c.1201G>A, p.Glu401Lys (NM_172083.3); c.1111G>A, p.Glu371Lys (NM_172084.3); short protein forms E371K, E401K, E414K, E425K, E439K, E440K, E464K, E588K.
Identifiers: ClinVar variation 3360295 (VCV003360295.1).